The following is an entry in ClinVar:

ClinVar aggregate classification (germline): Uncertain significance (1 of 4 stars; one submission).

Allele frequency attached by ClinVar (database versions not stated): ExAC 0.00001.

Submission:

Labcorp Genetics (formerly Invitae), Labcorp
Classification: Uncertain significance. Last evaluated: 2022-03-27. Review status: criteria provided, single submitter. Criteria: Invitae Variant Classification Sherloc (09022015). Collection method: clinical testing. Allele origin: germline.
Comment: In summary, the available evidence is currently insufficient to determine the role of this variant in disease. Therefore, it has been classified as a Variant of Uncertain Significance. Variants that disrupt the consensus splice site are a relatively common cause of aberrant splicing (PMID: 17576681, 9536098). Algorithms developed to predict the effect of sequence changes on RNA splicing suggest that this variant is not likely to affect RNA splicing. This variant has not been reported in the literature in individuals affected with CARMIL2-related conditions. This variant is present in population databases (rs776123761, gnomAD 0.007%). This sequence change falls in intron 23 of the CARMIL2 gene. It does not directly change the encoded amino acid sequence of the CARMIL2 protein. It affects a nucleotide within the consensus splice site.

Literature cited by the submitters: PubMed 17576681; PubMed 9536098.

NM_001013838.3(CARMIL2):c.2313+6C>T

Gene: CARMIL2 (capping protein regulator and myosin 1 linker 2; plus strand). Cytogenetic location: 16q22.1.
Variant type: single nucleotide variant.
Coding change: c.2313+6C>T on transcript NM_001013838.3 (MANE Select); 6 bases into the intron after coding-DNA position 2313, C replaced by T.
Molecular consequence: intron variant.
Genome position (GRCh38, 1-based): chr16:67,651,321, C>T. VCF-style: chr16-67651321-C-T. GRCh37 (hg19) VCF-style: chr16-67685224-C-T.
Other names: c.2205+6C>T (NM_001317026.3).
Identifiers: ClinVar variation 2118473 (VCV002118473.4), dbSNP rs776123761, ClinGen allele CA8113745.
Genomic context (GRCh38, chr16:67,651,321, plus strand): 5'-AGCCGCTGTGCGCCAGGCCGAGGATGCCATCCAAAATGCCAACTTCTCTCTCAGCGTGAG[C>T]ACTCCCCCTCCTGCTACAAGGACCCTTCCCCTCTTAGTCAGGTGTCAGCTCGCAACTGCT-3'